The following is an entry in ClinVar:

ClinVar aggregate classification (germline): Benign. Review status: criteria provided, multiple submitters, no conflicts (2 of 4 stars). 12 submissions from 11 submitters: Benign (10). 2 of the submissions do not count toward it. Last evaluated 2026-09-01.

Conditions:
Congenital myasthenic syndrome (CMS). Also called: Congenital Myasthenic Syndromes. Identifiers: Orphanet 590, MedGen C0751882, MeSH D020294, MONDO:0018940.
Lethal multiple pterygium syndrome (LMPS). Identifiers: Orphanet 33108, MedGen C1854678, MONDO:0009668, OMIM 253290.

Allele frequency attached by ClinVar (database versions not stated): ESP Exome Variant Server 0.00115; gnomAD 0.00300 and 0.00346; TOPMed 0.00434; ExAC 0.00538; 1000 Genomes Project 30x 0.00656; 1000 Genomes Project 0.00699.
gnomAD v4.1: 5,628 of 1,613,824 alleles (0.35%); highest among the groups gnomAD compares: East Asian, 3.6%; 59 homozygotes.

Submissions (12):

CeGaT Center for Human Genetics Tuebingen
Classification: Benign. Last evaluated: 2026-09-01. Review status: criteria provided, single submitter. Criteria: CeGaT Center For Human Genetics Tuebingen Variant Classification Criteria Version 2. Collection method: clinical testing. Allele origin: germline. Affected: yes. Observed: 2 variant alleles.
Comment: CHRND: BP4, BS1, BS2

Labcorp Genetics (formerly Invitae), Labcorp
Classification: Benign for Lethal multiple pterygium syndrome. Last evaluated: 2026-02-01. Review status: criteria provided, single submitter. Criteria: Invitae Variant Classification Sherloc (09022015). Collection method: clinical testing. Allele origin: germline.

Mayo Clinic Laboratories, Mayo Clinic
Classification: Benign. Last evaluated: 2024-06-10. Review status: criteria provided, single submitter. Criteria: ACMG Guidelines, 2015. Collection method: clinical testing. Allele origin: germline. Observed: 4 variant alleles.
Comment: BA1, BS2, BP5

GeneDx
Classification: Benign. Last evaluated: 2020-09-01. Review status: criteria provided, single submitter. Criteria: GeneDx Variant Classification Process June 2021. Collection method: clinical testing. Allele origin: germline. Affected: yes.
Comment: This variant is associated with the following publications: (PMID: 29258548)

Athena Diagnostics
Classification: Benign. Last evaluated: 2019-06-04. Review status: criteria provided, single submitter. Criteria: Athena Diagnostics Criteria. Collection method: clinical testing. Allele origin: germline.

Illumina Laboratory Services, Illumina
Classification: Benign for Congenital myasthenic syndrome. Last evaluated: 2018-01-12. Review status: criteria provided, single submitter. Criteria: ICSL Variant Classification Criteria 13 December 2019. Collection method: clinical testing. Allele origin: germline.
Comment: This variant was observed in the ICSL laboratory as part of a predisposition screen in an ostensibly healthy population. It had not been previously curated by ICSL or reported in the Human Gene Mutation Database (HGMD: prior to June 1st, 2018), and was therefore a candidate for classification through an automated scoring system. Utilizing variant allele frequency, disease prevalence and penetrance estimates, and inheritance mode, an automated score was calculated to assess if this variant is too frequent to cause the disease. Based on the score and internal cut-off values, a variant classified as benign is not then subjected to further curation. The score for this variant resulted in a classification of benign for this disease.

Illumina Laboratory Services, Illumina
Classification: Benign for Lethal multiple pterygium syndrome. Last evaluated: 2018-01-12. Review status: criteria provided, single submitter. Criteria: ICSL Variant Classification Criteria 13 December 2019. Collection method: clinical testing. Allele origin: germline.
Comment: the same text as in the submission from Illumina Laboratory Services, Illumina above.

Eurofins Ntd Llc (ga)
Classification: Benign. Last evaluated: 2015-03-31. Review status: criteria provided, single submitter. Criteria: EGL Classification Definitions 2015. Collection method: clinical testing. Allele origin: germline. Observed: 1 variant allele, 1 heterozygote.

Breakthrough Genomics
Classification: Benign. Review status: criteria provided, single submitter. Criteria: ACMG Guidelines, 2015. Collection method: not provided. Allele origin: germline. Inheritance: Autosomal recessive inheritance. Affected: yes.

PreventionGenetics, part of Exact Sciences
Classification: Benign. Review status: criteria provided, single submitter. Criteria: ACMG Guidelines, 2015. Collection method: clinical testing. Allele origin: germline.

Clinical Genetics DNA and cytogenetics Diagnostics Lab, Erasmus MC, Erasmus Medical Center
Classification: Benign. Review status: no assertion criteria provided. Collection method: clinical testing. Allele origin: germline. Affected: yes. Study: VKGL Data-share Consensus. Not counted in ClinVar's aggregate classification.

Laboratory of Diagnostic Genome Analysis, Leiden University Medical Center (LUMC)
Classification: Benign. Review status: no assertion criteria provided. Collection method: clinical testing. Allele origin: germline. Affected: yes. Study: VKGL Data-share Consensus. Not counted in ClinVar's aggregate classification.

Literature cited by the submitters: PubMed 29258548 (cited by Mayo Clinic Laboratories, Mayo Clinic); PubMed 32754643 (cited by Mayo Clinic Laboratories, Mayo Clinic).

NM_000751.3(CHRND):c.117C>G (p.Asn39Lys)

Gene: CHRND (cholinergic receptor nicotinic delta subunit; plus strand). Cytogenetic location: 2q37.1.
Variant type: single nucleotide variant.
Coding change: c.117C>G on transcript NM_000751.3 (MANE Select); coding-DNA position 117, C replaced by G.
Protein change: p.Asn39Lys; replaces asparagine 39 with lysine.
Molecular consequence: missense variant. On other transcripts: 5 prime UTR variant (2).
Genome position (GRCh38, 1-based): chr2:232,526,593, C>G. VCF-style: chr2-232526593-C-G. GRCh37 (hg19) VCF-style: chr2-233391303-C-G.
Other names: p.Asn39Lys; c.117C>G, p.Asn39Lys (NM_001256657.2); c.-155C>G (NM_001311195.2, NM_001311196.2); short protein forms N39K.
Identifiers: ClinVar variation 195100 (VCV000195100.28), dbSNP rs77084550, ClinGen allele CA201559.